The following is an entry in ClinVar:

ClinVar aggregate classification (germline): Uncertain significance (1 of 4 stars; one submission).

Conditions:
Hereditary cancer-predisposing syndrome. Also called: Neoplastic Syndromes, Hereditary; Hereditary Cancer Syndrome; Tumor predisposition; Hereditary neoplastic syndrome. Identifiers: Orphanet 140162, MedGen C0027672, MeSH D009386, MONDO:0015356.

Allele frequency attached by ClinVar (database versions not stated): gnomAD exomes below 0.00001.
gnomAD v4.1: 2 of 1,612,210 alleles (0.00012%); highest among the groups gnomAD compares: African/African-American, 0.0027%; no homozygotes.

Submission:

Ambry Genetics
Classification: Uncertain significance for Hereditary cancer-predisposing syndrome. Last evaluated: 2023-01-22. Review status: criteria provided, single submitter. Criteria: Ambry Variant Classification Scheme 2023. Collection method: clinical testing. Allele origin: germline.
Comment: The p.E277D variant (also known as c.831G>T), located in coding exon 6 of the NTHL1 gene, results from a G to T substitution at nucleotide position 831. The glutamic acid at codon 277 is replaced by aspartic acid, an amino acid with highly similar properties. This amino acid position is conserved. In addition, the in silico prediction for this alteration is inconclusive. Since supporting evidence is limited at this time, the clinical significance of this alteration remains unclear.

NM_002528.7(NTHL1):c.807G>T (p.Glu269Asp)

Gene: NTHL1 (nth like DNA glycosylase 1; minus strand). Cytogenetic location: 16p13.3.
Variant type: single nucleotide variant.
Coding change: c.807G>T on transcript NM_002528.7 (MANE Select); coding-DNA position 807, G replaced by T.
Protein change: p.Glu269Asp; replaces glutamic acid 269 with aspartic acid.
Molecular consequence: missense variant.
Genome position (GRCh38, 1-based): chr16:2,040,032, C>A on the plus strand (G>T on the coding strand, the complement: NTHL1 is on the minus strand). VCF-style: chr16-2040032-C-A. GRCh37 (hg19) VCF-style: chr16-2090033-C-A.
Other names: c.636G>T, p.Glu212Asp (NM_001318193.2); c.477G>T, p.Glu159Asp (NM_001318194.2); short protein forms E212D, E159D, E269D.
Identifiers: ClinVar variation 2446938 (VCV002446938.2), dbSNP rs1426153929, ClinGen allele CA394287529.